The following is an entry in ClinVar:

ClinVar aggregate classification (germline): Uncertain significance (1 of 4 stars; one submission).

Conditions:
Hereditary cancer-predisposing syndrome. Also called: Neoplastic Syndromes, Hereditary; Tumor predisposition; Hereditary neoplastic syndrome; Hereditary Cancer Syndrome. Identifiers: Orphanet 140162, MedGen C0027672, MeSH D009386, MONDO:0015356.

Submission:

Ambry Genetics
Classification: Uncertain significance for Hereditary cancer-predisposing syndrome. Last evaluated: 2024-01-09. Review status: criteria provided, single submitter. Criteria: Ambry Variant Classification Scheme 2023. Collection method: clinical testing. Allele origin: germline.
Comment: The p.L1074P variant (also known as c.3221T>C), located in coding exon 12 of the PALB2 gene, results from a T to C substitution at nucleotide position 3221. The leucine at codon 1074 is replaced by proline, an amino acid with similar properties. This amino acid position is conserved. In addition, the in silico prediction for this alteration is inconclusive. Since supporting evidence is limited at this time, the clinical significance of this alteration remains unclear.

NM_024675.4(PALB2):c.3221T>C (p.Leu1074Pro)

Gene: PALB2 (partner and localizer of BRCA2; minus strand). Cytogenetic location: 16p12.2.
Variant type: single nucleotide variant.
Coding change: c.3221T>C on transcript NM_024675.4 (MANE Select); coding-DNA position 3221, T replaced by C.
Protein change: p.Leu1074Pro; replaces leucine 1074 with proline.
Molecular consequence: missense variant. On other transcripts: intron variant (8).
Genome position (GRCh38, 1-based): chr16:23,607,993, A>G on the plus strand (T>C on the coding strand, the complement: PALB2 is on the minus strand). VCF-style: chr16-23607993-A-G. GRCh37 (hg19) VCF-style: chr16-23619314-A-G.
Other names: c.3161T>C, p.Leu1054Pro (NM_001407296.1); c.3149T>C, p.Leu1050Pro (NM_001407297.1); c.3059T>C, p.Leu1020Pro (NM_001407298.1); c.2942T>C, p.Leu981Pro (NM_001407300.1); c.2336T>C, p.Leu779Pro (NM_001407304.1, NM_001407305.1, NM_001407306.1); c.2174T>C, p.Leu725Pro (NM_001407307.1); c.1433T>C, p.Leu478Pro (NM_001407312.1); c.755T>C, p.Leu252Pro (NM_001407314.1); and 6 more; short protein forms L1020P, L1050P, L1054P, L1074P, L252P, L478P, L725P, L779P.
Identifiers: ClinVar variation 3228027 (VCV003228027.1), dbSNP rs1966512549, ClinGen allele CA395140058.